The following is an entry in ClinVar:

ClinVar aggregate classification (germline): Uncertain significance. Review status: criteria provided, multiple submitters, no conflicts (2 of 4 stars). 3 submissions from 3 submitters: Uncertain significance (3). Last evaluated 2025-10-31.

Conditions:
Hereditary cancer-predisposing syndrome. Also called: Hereditary neoplastic syndrome; Tumor predisposition; Hereditary Cancer Syndrome; Neoplastic Syndromes, Hereditary. Identifiers: Orphanet 140162, MedGen C0027672, MeSH D009386, MONDO:0015356.
Hereditary nonpolyposis colorectal neoplasms. Identifiers: MedGen C0009405, MeSH D003123.

gnomAD v4.1: 5 of 1,613,908 alleles (0.00031%); highest among the groups gnomAD compares: South Asian, 0.0022%; no homozygotes.

Submissions (3):

Quest Diagnostics Nichols Institute San Juan Capistrano
Classification: Uncertain significance. Last evaluated: 2025-10-31. Review status: criteria provided, single submitter. Criteria: Quest Diagnostics criteria. Collection method: clinical testing. Allele origin: unknown.
Comment: The PMS2 c.557A>G (p.Gln186Arg) variant has been identified in the published literature in a reportedly unaffected individual (PMID: 33471991 (2021), see also LOVD). The frequency of this variant in the general population (Genome Aggregation Database) is uninformative in the assessment of its pathogenicity. Analysis of this variant using bioinformatics tools for the prediction of the effect of amino acid changes on protein structure and function yielded predictions that this variant is benign. Based on the available information, we are unable to determine the clinical significance of this variant.

Ambry Genetics
Classification: Uncertain significance for Hereditary cancer-predisposing syndrome. Last evaluated: 2025-10-30. Review status: criteria provided, single submitter. Criteria: Ambry Variant Classification Scheme 2023. Collection method: clinical testing. Allele origin: germline.
Comment: The p.Q186R variant (also known as c.557A>G), located in coding exon 6 of the PMS2 gene, results from an A to G substitution at nucleotide position 557. The glutamine at codon 186 is replaced by arginine, an amino acid with highly similar properties. This amino acid position is conserved. In addition, the in silico prediction for this alteration is inconclusive. Based on the available evidence, the clinical significance of this variant remains unclear.

Labcorp Genetics (formerly Invitae), Labcorp
Classification: Uncertain significance for Hereditary nonpolyposis colorectal neoplasms. Last evaluated: 2024-02-12. Review status: criteria provided, single submitter. Criteria: Invitae Variant Classification Sherloc (09022015). Collection method: clinical testing. Allele origin: germline.
Comment: This sequence change replaces glutamine, which is neutral and polar, with arginine, which is basic and polar, at codon 186 of the PMS2 protein (p.Gln186Arg). This variant is present in population databases (rs775948975, gnomAD 0.003%). This variant has not been reported in the literature in individuals affected with PMS2-related conditions. Advanced modeling of protein sequence and biophysical properties (such as structural, functional, and spatial information, amino acid conservation, physicochemical variation, residue mobility, and thermodynamic stability) performed at Invitae indicates that this missense variant is expected to disrupt PMS2 protein function with a positive predictive value of 80%. In summary, the available evidence is currently insufficient to determine the role of this variant in disease. Therefore, it has been classified as a Variant of Uncertain Significance.

Literature cited by the submitters: PubMed 33471991 (cited by Quest Diagnostics Nichols Institute San Juan Capistrano).

NM_000535.7(PMS2):c.557A>G (p.Gln186Arg)

Gene: PMS2 (PMS1 homolog 2, mismatch repair system component; minus strand). Cytogenetic location: 7p22.1.
Variant type: single nucleotide variant.
Coding change: c.557A>G on transcript NM_000535.7 (MANE Select); coding-DNA position 557, A replaced by G.
Protein change: p.Gln186Arg; replaces glutamine 186 with arginine.
Molecular consequence: missense variant. On other transcripts: non-coding transcript variant (1), intron variant (9).
Genome position (GRCh38, 1-based): chr7:5,999,256, T>C on the plus strand (A>G on the coding strand, the complement: PMS2 is on the minus strand). VCF-style: chr7-5999256-T-C. GRCh37 (hg19) VCF-style: chr7-6038887-T-C.
Other names: c.557A>G (NM_000535.6); c.152A>G, p.Gln51Arg (NM_001322003.2, NM_001322004.2, NM_001322005.2 and 21 more transcripts); c.557A>G, p.Gln186Arg (NM_001322006.2, NM_001322014.2, NM_001406869.1 and 5 more transcripts); c.239A>G, p.Gln80Arg (NM_001322007.2, NM_001322008.2, NM_001406876.1 and 4 more transcripts); c.248A>G, p.Gln83Arg (NM_001322015.2, NM_001406875.1, NM_001406877.1 and 6 more transcripts); c.743A>G, p.Gln248Arg (NM_001406866.1); c.581A>G, p.Gln194Arg (NM_001406868.1); c.132+3197A>G (NM_001406911.1); and 5 more; short protein forms Q194R, Q51R, Q80R, Q186R, Q83R, Q248R.
Identifiers: ClinVar variation 3640266 (VCV003640266.4).